The following is an entry in ClinVar:

ClinVar aggregate classification (germline): Uncertain significance. Review status: criteria provided, single submitter (1 of 4 stars). 2 submissions from 2 submitters: Uncertain significance (1). 1 of the submissions does not count toward it. Last evaluated 2026-02-01.

Conditions:
3-methylglutaconic aciduria, type VIIB (MGCA7B). Also called: 3-methylglutaconic aciduria with cataracts, neurologic involvement and neutropenia; 3-methylglutaconic aciduria, type VII, with cataracts, neurologic involvement and neutropenia; CLPB Deficiency. Identifiers: Orphanet 445038, MedGen C5676893, MONDO:0014561, OMIM 616271.
CLPB-related disorder. Also called: CLPB-related condition.

Allele frequency attached by ClinVar (database versions not stated): ExAC 0.00001; gnomAD 0.00001; gnomAD exomes 0.00001; TOPMed 0.00002.
gnomAD v4.1: 4 of 1,612,626 alleles (0.00025%); highest among the groups gnomAD compares: Admixed American, 0.0067%; no homozygotes.

Submissions (2):

Labcorp Genetics (formerly Invitae), Labcorp
Classification: Uncertain significance for 3-methylglutaconic aciduria, type VIIB. Last evaluated: 2026-02-01. Review status: criteria provided, single submitter. Criteria: Invitae Variant Classification Sherloc (09022015). Collection method: clinical testing. Allele origin: germline.
Comment: This sequence change falls in intron 2 of the CLPB gene. It does not directly change the encoded amino acid sequence of the CLPB protein. It affects a nucleotide within the consensus splice site. This variant is present in population databases (rs751918724, gnomAD 0.009%). This variant has not been reported in the literature in individuals affected with CLPB-related conditions. ClinVar contains an entry for this variant (Variation ID: 1513644). Variants that disrupt the consensus splice site are a relatively common cause of aberrant splicing (PMID: 17576681, 9536098). Algorithms developed to predict the effect of sequence changes on RNA splicing suggest that this variant may disrupt the consensus splice site. In summary, the available evidence is currently insufficient to determine the role of this variant in disease. Therefore, it has been classified as a Variant of Uncertain Significance.

PreventionGenetics, part of Exact Sciences
Classification: Likely benign for CLPB-related condition. Last evaluated: 2020-01-06. Review status: no assertion criteria provided. Collection method: clinical testing. Allele origin: germline. Not counted in ClinVar's aggregate classification.
Comment: This variant is classified as likely benign based on ACMG/AMP sequence variant interpretation guidelines (Richards et al. 2015 PMID: 25741868, with internal and published modifications).

Literature cited by the submitters: PubMed 17576681 (cited by Labcorp Genetics (formerly Invitae), Labcorp); PubMed 9536098 (cited by Labcorp Genetics (formerly Invitae), Labcorp).

NM_001258392.3(CLPB):c.456-3T>A

Gene: CLPB (ClpB family mitochondrial disaggregase; minus strand). Cytogenetic location: 11q13.4.
Variant type: single nucleotide variant.
Coding change: c.456-3T>A on transcript NM_001258392.3 (MANE Select); 3 bases into the intron before coding-DNA position 456, T replaced by A.
Molecular consequence: intron variant.
Genome position (GRCh38, 1-based): chr11:72,403,055, A>T on the plus strand (T>A on the coding strand, the complement: CLPB is on the minus strand). VCF-style: chr11-72403055-A-T. GRCh37 (hg19) VCF-style: chr11-72114099-A-T.
Other names: c.456-22671T>A (NM_001258393.3); c.456-3T>A (NM_030813.6, NM_030813.5); c.321-3T>A (NM_001258394.3).
Identifiers: ClinVar variation 1513644 (VCV001513644.8), dbSNP rs751918724, ClinGen allele CA6171550.
Genomic context (GRCh38, chr11:72,403,055, plus strand): 5'-GAGTGCTGTCCAGCCAAGTCTGTGCTTTGCATTGACATCTGCACCTTCTGACAACAGCCT[A>T]AAACAAGACAGAGGAATATTTTCAGTGTATGGCTTGACATCTGCACCTTCTGACAACAGC-3'